The following is an entry in ClinVar:

ClinVar aggregate classification (germline): Conflicting classifications of pathogenicity. Review status: criteria provided, conflicting classifications (1 of 4 stars). 3 submissions from 3 submitters: Uncertain significance (2); Likely benign (1). Last evaluated 2025-09-13.

Conditions:
Inborn genetic diseases. Identifiers: MedGen C0950123, MeSH D030342.

Allele frequency attached by ClinVar (database versions not stated): ExAC 0.00004; gnomAD 0.00005 and 0.00006; gnomAD exomes 0.00005 and 0.00015; TOPMed 0.00007.
gnomAD v4.1: 225 of 1,613,716 alleles (0.014%); highest among the groups gnomAD compares: Non-Finnish European, 0.018%; no homozygotes.

Submissions (3):

Labcorp Genetics (formerly Invitae), Labcorp
Classification: Uncertain significance. Last evaluated: 2025-09-13. Review status: criteria provided, single submitter. Criteria: Invitae Variant Classification Sherloc (09022015). Collection method: clinical testing. Allele origin: germline.
Comment: This sequence change replaces glutamic acid, which is acidic and polar, with aspartic acid, which is acidic and polar, at codon 212 of the ACVR1 protein (p.Glu212Asp). This variant is present in population databases (rs201872272, gnomAD 0.009%). This variant has not been reported in the literature in individuals affected with ACVR1-related conditions. ClinVar contains an entry for this variant (Variation ID: 1387482). An algorithm developed to predict the effect of missense changes on protein structure and function (PolyPhen-2) suggests that this variant is likely to be tolerated. In summary, the available evidence is currently insufficient to determine the role of this variant in disease. Therefore, it has been classified as a Variant of Uncertain Significance.

Blueprint Genetics
Classification: Uncertain significance. Last evaluated: 2024-01-11. Review status: criteria provided, single submitter. Criteria: ACMG Guidelines, 2015. Collection method: clinical testing. Allele origin: germline.

Ambry Genetics
Classification: Likely benign for Inborn genetic diseases. Last evaluated: 2021-10-18. Review status: criteria provided, single submitter. Criteria: Ambry Variant Classification Scheme 2023. Collection method: clinical testing. Allele origin: germline.

NM_001111067.4(ACVR1):c.636G>C (p.Glu212Asp)

Gene: ACVR1 (activin A receptor type 1; minus strand). Cytogenetic location: 2q24.1.
Variant type: single nucleotide variant.
Coding change: c.636G>C on transcript NM_001111067.4 (MANE Select); coding-DNA position 636, G replaced by C.
Protein change: p.Glu212Asp; replaces glutamic acid 212 with aspartic acid.
Molecular consequence: missense variant.
Genome position (GRCh38, 1-based): chr2:157,774,095, C>G on the plus strand (G>C on the coding strand, the complement: ACVR1 is on the minus strand). VCF-style: chr2-157774095-C-G. GRCh37 (hg19) VCF-style: chr2-158630607-C-G.
Other names: c.636G>C (NM_001105.4); c.636G>C, p.Glu212Asp (NM_001105.5, NM_001347663.1, NM_001347664.1 and 3 more transcripts); short protein forms E212D.
Identifiers: ClinVar variation 1387482 (VCV001387482.10), dbSNP rs201872272, ClinGen allele CA1919108.